The following is an entry in ClinVar:

NM_015915.5(ATL1):c.334T>C (p.Trp112Arg)

Gene: ATL1 (atlastin GTPase 1; plus strand). Cytogenetic location: 14q22.1.
Variant type: single nucleotide variant.
Coding change: c.334T>C on transcript NM_015915.5 (MANE Select); coding-DNA position 334, T replaced by C.
Protein change: p.Trp112Arg; replaces tryptophan 112 with arginine.
Molecular consequence: missense variant.
Genome position (GRCh38, 1-based): chr14:50,590,992, T>C. VCF-style: chr14-50590992-T-C. GRCh37 (hg19) VCF-style: chr14-51057710-T-C.
Other names: p.Trp112Arg; c.334T>C, p.Trp112Arg (NM_001127713.1, NM_181598.4); short protein forms W112R.
Identifiers: ClinVar variation 4541827 (VCV004541827.1).

ClinVar aggregate classification (germline): Uncertain significance (1 of 4 stars; one submission).

Submission:

Mayo Clinic Laboratories, Mayo Clinic
Classification: Uncertain significance. Last evaluated: 2024-12-27. Review status: criteria provided, single submitter. Criteria: ACMG Guidelines, 2015. Collection method: clinical testing. Allele origin: germline. Observed: 1 variant allele.
Comment: PP3_moderate, PM2_supporting